The following is an entry in ClinVar:

NM_001105247.2(ARMC5):c.2261T>C (p.Leu754Pro)

Gene: ARMC5 (armadillo repeat containing 5; plus strand). Cytogenetic location: 16p11.2.
Variant type: single nucleotide variant.
Coding change: c.2261T>C on transcript NM_001105247.2 (MANE Select); coding-DNA position 2261, T replaced by C.
Protein change: p.Leu754Pro; replaces leucine 754 with proline.
Molecular consequence: missense variant. On other transcripts: 3 prime UTR variant (1).
Genome position (GRCh38, 1-based): chr16:31,466,342, T>C. VCF-style: chr16-31466342-T-C. GRCh37 (hg19) VCF-style: chr16-31477663-T-C.
Other names: c.2546T>C, p.Leu849Pro (NM_001288767.2); c.2357T>C, p.Leu786Pro (NM_001301820.1); c.*1141T>C (NM_024742.2); short protein forms L754P, L786P, L849P.
Identifiers: ClinVar variation 2575999 (VCV002575999.1), dbSNP rs2544863439, ClinGen allele CA395739178.

ClinVar aggregate classification (germline): Uncertain significance (1 of 4 stars; one submission).

Submission:

Institute for Clinical Genetics, University Hospital TU Dresden, University Hospital TU Dresden
Classification: Uncertain significance. Last evaluated: 2022-07-22. Review status: criteria provided, single submitter. Criteria: ACMG Guidelines, 2015. Collection method: clinical testing. Allele origin: germline.
Comment: PM2_SUP